The following is an entry in ClinVar:

NM_000257.4(MYH7):c.337A>G (p.Met113Val)

Gene: MYH7 (myosin heavy chain 7; minus strand). Cytogenetic location: 14q11.2.
Variant type: single nucleotide variant.
Coding change: c.337A>G on transcript NM_000257.4 (MANE Select); coding-DNA position 337, A replaced by G.
Protein change: p.Met113Val; replaces methionine 113 with valine.
Molecular consequence: missense variant.
Genome position (GRCh38, 1-based): chr14:23,433,092, T>C on the plus strand (A>G on the coding strand, the complement: MYH7 is on the minus strand). VCF-style: chr14-23433092-T-C. GRCh37 (hg19) VCF-style: chr14-23902301-T-C.
Other names: short protein forms M113V.
Identifiers: ClinVar variation 922870 (VCV000922870.5), dbSNP rs1893014420, ClinGen allele CA389053044.
Genomic context (GRCh38, chr14:23,433,092, plus strand): 5'-ATGGATGGAGCAAGAACAGAGATCCCAACGTAGGGCCAGGTGCAGCACTCACGTAGATCA[T>C]CCAGGAGCCGTAGCGATCCTTGAGGTTGTAGAGCACCGCGGGCTCATGCAGGAAGGTCAG-3'
Protein context (NP_000248.2, residues 103-123): YNLKDRYGSW[Met113Val]IYTYSGLFCV

ClinVar aggregate classification (germline): Uncertain significance. Review status: criteria provided, multiple submitters, no conflicts (2 of 4 stars). 2 submissions from 2 submitters: Uncertain significance (2). Last evaluated 2024-03-06.

Conditions:
Cardiomyopathy (CMYO). Also called: Cardiomyopathies. Identifiers: Orphanet 167848, MedGen C0878544, MONDO:0004994, HP:0001638. Inheritance: Various modes of inheritance.

Submissions (2):

Color Diagnostics, LLC DBA Color Health
Classification: Uncertain significance for Cardiomyopathy. Last evaluated: 2024-03-06. Review status: criteria provided, single submitter. Criteria: ACMG Guidelines, 2015. Collection method: clinical testing. Allele origin: germline.
Comment: This missense variant replaces methionine with valine at codon 113 of the MYH7 protein. Computational prediction tool suggests that this variant may have deleterious impact on protein structure and function (internally defined REVEL score threshold >=0.7, PMID: 27666373). Splice site prediction tools suggest that this variant may not impact RNA splicing. To our knowledge, functional studies have not been performed for this variant. This variant has not been reported in individuals affected with cardiovascular disorders in the literature. This variant has not been identified in the general population by the Genome Aggregation Database (gnomAD). The available evidence is insufficient to determine the role of this variant in disease conclusively. Therefore, this variant is classified as a Variant of Uncertain Significance.

All of Us Research Program, National Institutes of Health
Classification: Uncertain significance for Cardiomyopathy. Last evaluated: 2023-06-28. Review status: criteria provided, single submitter. Criteria: ACMG Guidelines, 2015. Collection method: clinical testing. Allele origin: germline. Inheritance: Autosomal dominant inheritance. Observed: 1 variant allele, 1 heterozygote.
Comment: This study involves interpretation of variants in research participants for the purpose of population health screening. Participant phenotype was not available at the time of variant classification. Additional details can be found in publication PMID: 35346344, PMCID: PMC8962531